The following is an entry in ClinVar:

ClinVar aggregate classification (germline): Uncertain significance (1 of 4 stars; one submission).

Conditions:
Perlman syndrome (PRLMNS). Identifiers: Orphanet 2849, MedGen C0796113, MONDO:0009965, OMIM 267000.

Allele frequency attached by ClinVar (database versions not stated): gnomAD exomes below 0.00001; TOPMed 0.00001.
gnomAD v4.1: 1 of 1,614,182 alleles (0.000062%); highest among the groups gnomAD compares: African/African-American, 0.0013%; no homozygotes.

Submission:

Labcorp Genetics (formerly Invitae), Labcorp
Classification: Uncertain significance for Perlman syndrome. Last evaluated: 2019-04-26. Review status: criteria provided, single submitter. Criteria: Invitae Variant Classification Sherloc (09022015). Collection method: clinical testing. Allele origin: germline.
Comment: In summary, the available evidence is currently insufficient to determine the role of this variant in disease. Therefore, it has been classified as a Variant of Uncertain Significance. Algorithms developed to predict the effect of missense changes on protein structure and function are either unavailable or do not agree on the potential impact of this missense change (SIFT: "Deleterious"; PolyPhen-2: "Benign"; Align-GVGD: "Class C0"). This variant has not been reported in the literature in individuals with DIS3L2-related conditions. This variant is not present in population databases (ExAC no frequency). This sequence change replaces proline with leucine at codon 518 of the DIS3L2 protein (p.Pro518Leu). The proline residue is moderately conserved and there is a moderate physicochemical difference between proline and leucine.

NM_152383.5(DIS3L2):c.1553C>T (p.Pro518Leu)

Gene: DIS3L2 (DIS3 like 3'-5' exoribonuclease 2; plus strand). Cytogenetic location: 2q37.1.
Variant type: single nucleotide variant.
Coding change: c.1553C>T on transcript NM_152383.5 (MANE Select); coding-DNA position 1553, C replaced by T.
Protein change: p.Pro518Leu; replaces proline 518 with leucine.
Molecular consequence: missense variant. On other transcripts: non-coding transcript variant (2).
Genome position (GRCh38, 1-based): chr2:232,263,334, C>T. VCF-style: chr2-232263334-C-T. GRCh37 (hg19) VCF-style: chr2-233128044-C-T.
Other names: c.1553C>T, p.Pro518Leu (NM_001257281.2); short protein forms P518L.
Identifiers: ClinVar variation 951297 (VCV000951297.9), dbSNP rs1476278730, ClinGen allele CA350975512.